The following is an entry in ClinVar:

NM_000135.4(FANCA):c.560T>C (p.Val187Ala)

Gene: FANCA (FA complementation group A; minus strand). Cytogenetic location: 16q24.3.
Variant type: single nucleotide variant.
Coding change: c.560T>C on transcript NM_000135.4 (MANE Select); coding-DNA position 560, T replaced by C.
Protein change: p.Val187Ala; replaces valine 187 with alanine.
Molecular consequence: missense variant.
Genome position (GRCh38, 1-based): chr16:89,808,330, A>G on the plus strand (T>C on the coding strand, the complement: FANCA is on the minus strand). VCF-style: chr16-89808330-A-G. GRCh37 (hg19) VCF-style: chr16-89874738-A-G.
Other names: c.560T>C, p.Val187Ala (NM_001018112.3, NM_001286167.3); c.464T>C, p.Val155Ala (NM_001351830.2); short protein forms V155A, V187A.
Identifiers: ClinVar variation 3848229 (VCV003848229.1).

ClinVar aggregate classification (germline): Uncertain significance (1 of 4 stars; one submission).

Conditions:
Inborn genetic diseases. Identifiers: MedGen C0950123, MeSH D030342.

Submission:

Ambry Genetics
Classification: Uncertain significance for Inborn genetic diseases. Last evaluated: 2025-02-13. Review status: criteria provided, single submitter. Criteria: Ambry Variant Classification Scheme 2023. Collection method: clinical testing. Allele origin: germline.
Comment: The p.V187A variant (also known as c.560T>C), located in coding exon 6 of the FANCA gene, results from a T to C substitution at nucleotide position 560. The valine at codon 187 is replaced by alanine, an amino acid with similar properties. This amino acid position is conserved. In addition, this alteration is predicted to be tolerated by in silico analysis. Based on the available evidence, the clinical significance of this variant remains unclear.